The following is an entry in ClinVar:

NM_020971.3(SPTBN4):c.312G>A (p.Gly104=)

Gene: SPTBN4 (spectrin beta, non-erythrocytic 4; plus strand). Cytogenetic location: 19q13.2.
Variant type: single nucleotide variant.
Coding change: c.312G>A on transcript NM_020971.3 (MANE Select); coding-DNA position 312, G replaced by A.
Protein change: p.Gly104=; no amino-acid change (glycine 104 retained).
Molecular consequence: synonymous variant.
Genome position (GRCh38, 1-based): chr19:40,487,839, G>A. VCF-style: chr19-40487839-G-A. GRCh37 (hg19) VCF-style: chr19-40993746-G-A.
Other names: c.312G>A (NM_020971.2).
Identifiers: ClinVar variation 1013159 (VCV001013159.39), dbSNP rs527763445, ClinGen allele CA9445300.

ClinVar aggregate classification (germline): Likely benign. Review status: criteria provided, single submitter (1 of 4 stars). 2 submissions from 2 submitters: Likely benign (1). 1 of the submissions does not count toward it. Last evaluated 2024-12-01.

Conditions:
SPTBN4-related disorder. Also called: SPTBN4-related condition.

Allele frequency attached by ClinVar (database versions not stated): gnomAD 0.00004 and 0.00024; TOPMed 0.00004; gnomAD exomes 0.00039 and 0.00078; 1000 Genomes Project 30x 0.00078; ExAC 0.00079; 1000 Genomes Project 0.00100.
gnomAD v4.1: 603 of 1,604,280 alleles (0.038%); highest among the groups gnomAD compares: South Asian, 0.62%; 9 homozygotes.

Submissions (2):

CeGaT Center for Human Genetics Tuebingen
Classification: Likely benign. Last evaluated: 2024-12-01. Review status: criteria provided, single submitter. Criteria: CeGaT Center For Human Genetics Tuebingen Variant Classification Criteria Version 2. Collection method: clinical testing. Allele origin: germline. Affected: yes. Observed: 5 variant alleles.
Comment: SPTBN4: BP4, BP7

PreventionGenetics, part of Exact Sciences
Classification: Likely benign for SPTBN4-related condition. Last evaluated: 2019-05-28. Review status: no assertion criteria provided. Collection method: clinical testing. Allele origin: germline. Not counted in ClinVar's aggregate classification.
Comment: This variant is classified as likely benign based on ACMG/AMP sequence variant interpretation guidelines (Richards et al. 2015 PMID: 25741868, with internal and published modifications).